The following continues an entry in ClinVar:

NM_001048174.2(MUTYH):c.14G>A (p.Arg5Gln)

Gene: MUTYH. ClinVar aggregate classification (germline): Conflicting classifications of pathogenicity. Uncertain significance (13); Likely benign (1).

Submissions 8 to 15 of 15:

All of Us Research Program, National Institutes of Health
Classification: Uncertain significance for Familial adenomatous polyposis 2. Last evaluated: 2024-03-24. Review status: criteria provided, single submitter. Criteria: ACMG Guidelines, 2015. Collection method: clinical testing. Allele origin: germline. Inheritance: Autosomal recessive inheritance. Observed: 14 variant alleles, 14 heterozygotes.
Comment: This missense variant replaces arginine with glutamine at codon 19 of the MUTYH protein. Computational prediction suggests that this variant may not impact protein structure and function (internally defined REVEL score threshold <= 0.5, PMID: 27666373). To our knowledge, functional studies have not been reported for this variant. This variant has been reported in two individuals affected with Lynch syndrome associated cancer and/or colorectal polyps (PMID: 25980754, 21777424) and in an individual affected with breast cancer (PMID: 22297469). This variant has been identified in 7/251490 chromosomes in the general population by the Genome Aggregation Database (gnomAD). The available evidence is insufficient to determine the role of this variant in disease conclusively. Therefore, this variant is classified as a Variant of Uncertain Significance.

This study involves interpretation of variants in research participants for the purpose of population health screening. Participant phenotype was not available at the time of variant classification. Additional details can be found in publication PMID: 35346344, PMCID: PMC8962531

Fulgent Genetics
Classification: Uncertain significance for Familial adenomatous polyposis 2; Gastric cancer. Last evaluated: 2024-02-21. Review status: criteria provided, single submitter. Criteria: ACMG Guidelines, 2015. Collection method: clinical testing. Allele origin: germline.

Ambry Genetics
Classification: Likely benign for Hereditary cancer-predisposing syndrome. Last evaluated: 2024-02-07. Review status: criteria provided, single submitter. Criteria: Ambry Variant Classification Scheme 2023. Collection method: clinical testing. Allele origin: germline.

Baylor Genetics
Classification: Uncertain significance for Familial adenomatous polyposis 2. Last evaluated: 2024-02-06. Review status: criteria provided, single submitter. Criteria: ACMG Guidelines, 2015. Collection method: clinical testing. Allele origin: unknown.

GeneDx
Classification: Uncertain significance. Last evaluated: 2023-03-27. Review status: criteria provided, single submitter. Criteria: GeneDx Variant Classification Process June 2021. Collection method: clinical testing. Allele origin: germline. Affected: yes.
Comment: Not observed at significant frequency in large population cohorts (gnomAD); In silico analysis supports that this missense variant does not alter protein structure/function; This variant is associated with the following publications: (PMID: 21777424, 22297469, 25980754, 26689913, 23108399, 35264596)

Sema4
Classification: Uncertain significance for Hereditary cancer-predisposing syndrome. Last evaluated: 2021-08-18. Review status: criteria provided, single submitter. Criteria: Sema4 Curation Guidelines. Collection method: curation. Allele origin: germline.
Comment: The MUTYH c.56G>A (p.R19Q) variant has been reported in at least three individuals: one with colorectal cancer or colon polyps, one undergoing testing for Lynch Syndrome, and one with breast cancer (PMID: 21777424, 25980754, 22297469). This variant was observed in 6/113764 chromosomes in the Non-Finnish European population according to the Genome Aggregation Database (PMID: 32461654). This variant has been reported in ClinVar (Variation ID: 127834). In silico tools suggest the impact of the variant on protein function is benign, though these predictions have not been confirmed by functional studies. The overall evidence is insufficient to meet ACMG/AMP criteria for classifying it as benign or pathogenic. In summary, the clinical significance of this variant is currently uncertain.

Mendelics
Classification: Uncertain significance for MYH-associated polyposis. Last evaluated: 2018-07-02. Review status: criteria provided, single submitter. Criteria: Mendelics Assertion Criteria 2017. Collection method: clinical testing. Allele origin: unknown.

Counsyl
Classification: Uncertain significance for Familial adenomatous polyposis 2. Last evaluated: 2017-03-14. Review status: no assertion criteria provided. Collection method: clinical testing. Allele origin: unknown. Not counted in ClinVar's aggregate classification.

Literature cited by the submitters: PubMed 21777424 (cited by 7 submitters); PubMed 22297469 (cited by 8 submitters); PubMed 25980754 (cited by 7 submitters); PubMed 34326862 (cited by 3 submitters); PubMed 35264596 (cited by Women's Health and Genetics/Laboratory Corporation of America, LabCorp and Quest Diagnostics Nichols Institute San Juan Capistrano); PubMed 37239438 (cited by Women's Health and Genetics/Laboratory Corporation of America, LabCorp); PubMed 33471991 (cited by Quest Diagnostics Nichols Institute San Juan Capistrano).